The following is an entry in ClinVar:

NM_014391.3(ANKRD1):c.400C>T (p.Pro134Ser)

Gene: ANKRD1 (ankyrin repeat domain 1; minus strand). Cytogenetic location: 10q23.31.
Variant type: single nucleotide variant.
Coding change: c.400C>T on transcript NM_014391.3 (MANE Select); coding-DNA position 400, C replaced by T.
Protein change: p.Pro134Ser; replaces proline 134 with serine.
Molecular consequence: missense variant.
Genome position (GRCh38, 1-based): chr10:90,918,918, G>A on the plus strand (C>T on the coding strand, the complement: ANKRD1 is on the minus strand). VCF-style: chr10-90918918-G-A. GRCh37 (hg19) VCF-style: chr10-92678675-G-A.
Other names: short protein forms P134S.
Identifiers: ClinVar variation 1737002 (VCV001737002.3), dbSNP rs370001020, ClinGen allele CA5598742.

ClinVar aggregate classification (germline): Uncertain significance. Review status: criteria provided, multiple submitters, no conflicts (2 of 4 stars). 2 submissions from 2 submitters: Uncertain significance (2). Last evaluated 2025-10-29.

Conditions:
Cardiovascular phenotype. Identifiers: MedGen CN230736.
ANKRD1-related dilated cardiomyopathy. Identifiers: MedGen CN119551.

Allele frequency attached by ClinVar (database versions not stated): gnomAD 0.00001; ExAC 0.00002; ESP Exome Variant Server 0.00008.

Submissions (2):

Labcorp Genetics (formerly Invitae), Labcorp
Classification: Uncertain significance for ANKRD1-related dilated cardiomyopathy. Last evaluated: 2025-10-29. Review status: criteria provided, single submitter. Criteria: Invitae Variant Classification Sherloc (09022015). Collection method: clinical testing. Allele origin: germline.
Comment: This sequence change replaces proline, which is neutral and non-polar, with serine, which is neutral and polar, at codon 134 of the ANKRD1 protein (p.Pro134Ser). The frequency data for this variant in the population databases is considered unreliable, as metrics indicate poor data quality at this position in the gnomAD database. This variant has not been reported in the literature in individuals affected with ANKRD1-related conditions. ClinVar contains an entry for this variant (Variation ID: 1737002). Invitae Evidence Modeling of protein sequence and biophysical properties (such as structural, functional, and spatial information, amino acid conservation, physicochemical variation, residue mobility, and thermodynamic stability) indicates that this missense variant is not expected to disrupt ANKRD1 protein function with a negative predictive value of 80%. In summary, the available evidence is currently insufficient to determine the role of this variant in disease. Therefore, it has been classified as a Variant of Uncertain Significance.

Ambry Genetics
Classification: Uncertain significance for Cardiovascular phenotype. Last evaluated: 2022-10-17. Review status: criteria provided, single submitter. Criteria: Ambry Variant Classification Scheme 2023. Collection method: clinical testing. Allele origin: germline.
Comment: The p.P134S variant (also known as c.400C>T), located in coding exon 4 of the ANKRD1 gene, results from a C to T substitution at nucleotide position 400. The proline at codon 134 is replaced by serine, an amino acid with similar properties. This amino acid position is well conserved in available vertebrate species; however, serine is the reference amino acid in other vertebrate species. In addition, this alteration is predicted to be tolerated by in silico analysis. Since supporting evidence is limited at this time, the clinical significance of this alteration remains unclear.